The following is an entry in ClinVar:

NM_032578.4(MYPN):c.1969A>C (p.Lys657Gln)

Gene: MYPN (myopalladin; plus strand). Cytogenetic location: 10q21.3.
Variant type: single nucleotide variant.
Coding change: c.1969A>C on transcript NM_032578.4 (MANE Select); coding-DNA position 1969, A replaced by C.
Protein change: p.Lys657Gln; replaces lysine 657 with glutamine.
Molecular consequence: missense variant. On other transcripts: non-coding transcript variant (2).
Genome position (GRCh38, 1-based): chr10:68,166,662, A>C. VCF-style: chr10-68166662-A-C. GRCh37 (hg19) VCF-style: chr10-69926419-A-C.
Other names: c.1969A>C, p.Lys657Gln (NM_001256267.2); c.1087A>C, p.Lys363Gln (NM_001256268.2); short protein forms K657Q, K363Q.
Identifiers: ClinVar variation 3298129 (VCV003298129.1).
Genomic context (GRCh38, chr10:68,166,662, plus strand): 5'-ACAAAAACCCCAGAGCCTTCTTCCCCCGTGAAAGAGCCCCCTCCAGTTCTGGCCAAACCC[A>C]AACTGTAAGTAAAAAGTAGGATGAATAACCAGGAGCTTCTGTGATCTTTTCTTGAATCTG-3'
Protein context (NP_115967.2, residues 647-667): KEPPPVLAKP[Lys657Gln]LDSTQLQQLH

ClinVar aggregate classification (germline): Uncertain significance (1 of 4 stars; one submission).

Conditions:
Cardiovascular phenotype. Identifiers: MedGen CN230736.

gnomAD v4.1: 1 of 1,614,034 alleles (0.000062%); no homozygotes.

Submission:

Ambry Genetics
Classification: Uncertain significance for Cardiovascular phenotype. Last evaluated: 2024-04-05. Review status: criteria provided, single submitter. Criteria: Ambry Variant Classification Scheme 2023. Collection method: clinical testing. Allele origin: germline.
Comment: The p.K657Q variant (also known as c.1969A>C), located in coding exon 9 of the MYPN gene, results from an A to C substitution at nucleotide position 1969. The lysine at codon 657 is replaced by glutamine, an amino acid with similar properties. This amino acid position is conserved. In addition, the in silico prediction for this alteration is inconclusive. Based on the available evidence, the clinical significance of this variant remains unclear.